The following is an entry in ClinVar:

NM_001283009.2(RTEL1):c.3143G>A (p.Gly1048Glu)

Genes: RTEL1 (regulator of telomere elongation helicase 1; plus strand), RTEL1-TNFRSF6B (RTEL1-TNFRSF6B readthrough (NMD candidate); plus strand). Cytogenetic location: 20q13.33.
Variant type: single nucleotide variant.
Coding change: c.3143G>A on transcript NM_001283009.2 (MANE Select); coding-DNA position 3143, G replaced by A.
Protein change: p.Gly1048Glu; replaces glycine 1048 with glutamic acid.
Molecular consequence: missense variant. On other transcripts: non-coding transcript variant (1).
Genome position (GRCh38, 1-based): chr20:63,694,774, G>A. VCF-style: chr20-63694774-G-A. GRCh37 (hg19) VCF-style: chr20-62326127-G-A.
Other names: c.2474G>A, p.Gly825Glu (NM_001283010.1); c.3143G>A, p.Gly1048Glu (NM_016434.4); c.3215G>A, p.Gly1072Glu (NM_032957.5); short protein forms G1048E, G1072E, G825E.
Identifiers: ClinVar variation 2503111 (VCV002503111.2), dbSNP rs2517197797, ClinGen allele CA409684838.

ClinVar aggregate classification (germline): Uncertain significance. Review status: criteria provided, multiple submitters, no conflicts (2 of 4 stars). 2 submissions from 2 submitters: Uncertain significance (2). Last evaluated 2025-01-10.

Conditions:
Pulmonary fibrosis and/or bone marrow failure, Telomere-related, 3. Also called: PULMONARY FIBROSIS AND/OR BONE MARROW FAILURE SYNDROME, TELOMERE-RELATED, 3. Identifiers: Orphanet 2032, MedGen C4225346, MONDO:0014613, OMIM 616373.
Inborn genetic diseases. Identifiers: MedGen C0950123, MeSH D030342.

Submissions (2):

Ambry Genetics
Classification: Uncertain significance for Inborn genetic diseases. Last evaluated: 2025-01-10. Review status: criteria provided, single submitter. Criteria: Ambry Variant Classification Scheme 2023. Collection method: clinical testing. Allele origin: germline.
Comment: The p.G1048E variant (also known as c.3143G>A), located in coding exon 31 of the RTEL1 gene, results from a G to A substitution at nucleotide position 3143. The glycine at codon 1048 is replaced by glutamic acid, an amino acid with similar properties. This amino acid position is conserved. In addition, this alteration is predicted to be tolerated by in silico analysis. Based on the available evidence, the clinical significance of this variant remains unclear.

Johns Hopkins Genomics, Johns Hopkins University
Classification: Uncertain significance for Pulmonary fibrosis and/or bone marrow failure, Telomere-related, 3. Last evaluated: 2023-03-09. Review status: criteria provided, single submitter. Criteria: ACMG Guidelines, 2015. Collection method: clinical testing. Allele origin: germline.
Comment: This RTEL1 missense variant is absent from a large population dataset and has not been reported in ClinVar nor the literature, to our knowledge. Two bioinformatic tools queried predict that this substitution would be tolerated, and the glycine residue at this position is evolutionarily conserved across a few species assessed, while several species have a different amino acid at this position including one species with glutamic acid. We consider the clinical significance of c.3143G>A; p.Gly1048Glu in RTEL1 to be uncertain at this time.

Literature cited by the submitters: PubMed 25848748 (cited by Johns Hopkins Genomics, Johns Hopkins University); PubMed 29344583 (cited by Johns Hopkins Genomics, Johns Hopkins University).